The following is an entry in ClinVar:

NM_201596.3(CACNB2):c.355G>C (p.Val119Leu)

Gene: CACNB2 (calcium voltage-gated channel auxiliary subunit beta 2; plus strand). Cytogenetic location: 10p12.31.
Variant type: single nucleotide variant.
Coding change: c.355G>C on transcript NM_201596.3 (MANE Select); coding-DNA position 355, G replaced by C.
Protein change: p.Val119Leu; replaces valine 119 with leucine.
Molecular consequence: missense variant.
Genome position (GRCh38, 1-based): chr10:18,498,376, G>C. VCF-style: chr10-18498376-G-C. GRCh37 (hg19) VCF-style: chr10-18787305-G-C.
Other names: c.190G>C, p.Val64Leu (NM_000724.4, NM_001330060.2); c.271G>C, p.Val91Leu (NM_001167945.2, NM_201571.4, NM_201572.4); c.211G>C, p.Val71Leu (NM_001410882.1, NM_201570.3); c.193G>C, p.Val65Leu (NM_201590.3); c.355G>C, p.Val119Leu (NM_201593.3, NM_201597.3); short protein forms V119L, V65L, V64L, V71L, V91L.
Identifiers: ClinVar variation 2072247 (VCV002072247.4), dbSNP rs2494326210, ClinGen allele CA376056663.

ClinVar aggregate classification (germline): Uncertain significance (1 of 4 stars; one submission).

Conditions:
Brugada syndrome 4 (BRGDA4). Identifiers: Orphanet 130, MedGen C2678477, MONDO:0012743, OMIM 611876.

Submission:

Labcorp Genetics (formerly Invitae), Labcorp
Classification: Uncertain significance for Brugada syndrome 4. Last evaluated: 2022-01-03. Review status: criteria provided, single submitter. Criteria: Invitae Variant Classification Sherloc (09022015). Collection method: clinical testing. Allele origin: germline.
Comment: This sequence change replaces valine, which is neutral and non-polar, with leucine, which is neutral and non-polar, at codon 65 of the CACNB2 protein (p.Val65Leu). This variant is not present in population databases (gnomAD no frequency). This variant has not been reported in the literature in individuals affected with CACNB2-related conditions. In summary, the available evidence is currently insufficient to determine the role of this variant in disease. Therefore, it has been classified as a Variant of Uncertain Significance. Algorithms developed to predict the effect of missense changes on protein structure and function are either unavailable or do not agree on the potential impact of this missense change (SIFT: "Deleterious"; PolyPhen-2: "Probably Damaging"; Align-GVGD: "Class C0").